The following is an entry in ClinVar:

ClinVar aggregate classification (germline): Uncertain significance (1 of 4 stars; one submission).

Submission:

GeneDx
Classification: Uncertain significance. Last evaluated: 2024-06-03. Review status: criteria provided, single submitter. Criteria: GeneDx Variant Classification Process June 2021. Collection method: clinical testing. Allele origin: germline. Affected: yes.
Comment: Not observed at significant frequency in large population cohorts (gnomAD); In silico analysis supports that this missense variant has a deleterious effect on protein structure/function; Has not been previously published as pathogenic or benign to our knowledge

NM_004859.4(CLTC):c.2132T>C (p.Leu711Pro)

Gene: CLTC (clathrin heavy chain; plus strand). Cytogenetic location: 17q23.1.
Variant type: single nucleotide variant.
Coding change: c.2132T>C on transcript NM_004859.4 (MANE Select); coding-DNA position 2132, T replaced by C.
Protein change: p.Leu711Pro; replaces leucine 711 with proline.
Molecular consequence: missense variant.
Genome position (GRCh38, 1-based): chr17:59,668,780, T>C. VCF-style: chr17-59668780-T-C. GRCh37 (hg19) VCF-style: chr17-57746141-T-C.
Other names: c.2144T>C, p.Leu715Pro (NM_001288653.2); short protein forms L711P, L715P.
Identifiers: ClinVar variation 3384538 (VCV003384538.1).